The following is an entry in ClinVar:

ClinVar aggregate classification (germline): Uncertain significance. Review status: criteria provided, multiple submitters, no conflicts (2 of 4 stars). 3 submissions from 3 submitters: Uncertain significance (3). Last evaluated 2026-03-10.

Conditions:
DNMT3A-related disorder. Also called: DNMT3A-related condition; DNMT3A-related disorders.
Inborn genetic diseases. Identifiers: MedGen C0950123, MeSH D030342.
Tatton-Brown-Rahman overgrowth syndrome. Also called: Tall stature-intellectual disability-facial dysmorphism syndrome; Tatton-Brown-Rahman syndrome. Identifiers: Orphanet 404443, MedGen C4014545, MONDO:0014382, OMIM 615879.

Submissions (3):

Ambry Genetics
Classification: Uncertain significance for Inborn genetic diseases. Last evaluated: 2026-03-10. Review status: criteria provided, single submitter. Criteria: Ambry Variant Classification Scheme 2023. Collection method: clinical testing. Allele origin: germline.
Comment: The p.E482D variant (also known as c.1446G>T), located in coding exon 11 of the DNMT3A gene, results from a G to T substitution at nucleotide position 1446. The glutamic acid at codon 482 is replaced by aspartic acid, an amino acid with highly similar properties. This amino acid position is conserved. In addition, this alteration is predicted to be tolerated by in silico analysis. Based on the available evidence, the clinical significance of this variant remains unclear.

PreventionGenetics, part of Exact Sciences
Classification: Uncertain significance for DNMT3A-related condition. Last evaluated: 2025-12-22. Review status: criteria provided, single submitter. Criteria: ACMG Guidelines, 2015. Collection method: clinical testing. Allele origin: germline.
Comment: The DNMT3A c.1446G>T variant is predicted to result in the amino acid substitution p.Glu482Asp. To our knowledge, this variant has not been reported in the literature or in a large population database (gnomAD), indicating this variant is rare. At this time, the clinical significance of this variant is uncertain due to the absence of conclusive functional and genetic evidence.

Labcorp Genetics (formerly Invitae), Labcorp
Classification: Uncertain significance for Tatton-Brown-Rahman overgrowth syndrome. Last evaluated: 2025-08-17. Review status: criteria provided, single submitter. Criteria: Invitae Variant Classification Sherloc (09022015). Collection method: clinical testing. Allele origin: germline.
Comment: This sequence change replaces glutamic acid, which is acidic and polar, with aspartic acid, which is acidic and polar, at codon 482 of the DNMT3A protein (p.Glu482Asp). This variant is not present in population databases (gnomAD no frequency). This variant has not been reported in the literature in individuals affected with DNMT3A-related conditions. ClinVar contains an entry for this variant (Variation ID: 2199437). Invitae Evidence Modeling of protein sequence and biophysical properties (such as structural, functional, and spatial information, amino acid conservation, physicochemical variation, residue mobility, and thermodynamic stability) indicates that this missense variant is not expected to disrupt DNMT3A protein function with a negative predictive value of 95%. In summary, the available evidence is currently insufficient to determine the role of this variant in disease. Therefore, it has been classified as a Variant of Uncertain Significance.

NM_022552.5(DNMT3A):c.1446G>T (p.Glu482Asp)

Gene: DNMT3A (DNA methyltransferase 3 alpha; minus strand). Cytogenetic location: 2p23.3.
Variant type: single nucleotide variant.
Coding change: c.1446G>T on transcript NM_022552.5 (MANE Select); coding-DNA position 1446, G replaced by T.
Protein change: p.Glu482Asp; replaces glutamic acid 482 with aspartic acid.
Molecular consequence: missense variant. On other transcripts: non-coding transcript variant (1).
Genome position (GRCh38, 1-based): chr2:25,246,048, C>A on the plus strand (G>T on the coding strand, the complement: DNMT3A is on the minus strand). VCF-style: chr2-25246048-C-A. GRCh37 (hg19) VCF-style: chr2-25468917-C-A.
Other names: c.1446G>T (NM_022552.3); c.990G>T, p.Glu330Asp (NM_001320893.1); c.777G>T, p.Glu259Asp (NM_001375819.1); c.879G>T, p.Glu293Asp (NM_153759.3); c.1446G>T, p.Glu482Asp (NM_175629.2); short protein forms E293D, E330D, E259D, E482D.
Identifiers: ClinVar variation 2199437 (VCV002199437.6), dbSNP rs1301835120, ClinGen allele CA346072573.
Genomic context (GRCh38, chr2:25,246,048, plus strand): 5'-GGAGTGCCAGAGTTCCCAGGCAACAAACTTACCCTCAATGTTCCGGCACTTCTGCCGCAC[C>A]TCGTACACCAGCCGCTCTGCAAGGGGAGGAGAGCTGGCGTCAGAGGAGGCCGCGCCTGCT-3'
Protein context (NP_072046.2, residues 472-492): DERTRERLVY[Glu482Asp]VRQKCRNIED